The following is an entry in ClinVar:

ClinVar aggregate classification (germline): Uncertain significance (1 of 4 stars; one submission).

Conditions:
Autosomal dominant childhood-onset proximal spinal muscular atrophy with contractures (SMALED2A). Also called: SPINAL MUSCULAR ATROPHY, LOWER EXTREMITY-PREDOMINANT, 2A, CHILDHOOD ONSET, AUTOSOMAL DOMINANT; Spinal muscular atrophy, lower extremity-predominant, 2A, autosomal dominant. Identifiers: Orphanet 363447, Orphanet 363454, MedGen C4747715, MONDO:0014121, OMIM 615290.

Submission:

Labcorp Genetics (formerly Invitae), Labcorp
Classification: Uncertain significance for Autosomal dominant childhood-onset proximal spinal muscular atrophy with contractures. Last evaluated: 2020-03-12. Review status: criteria provided, single submitter. Criteria: Invitae Variant Classification Sherloc (09022015). Collection method: clinical testing. Allele origin: germline.
Comment: This sequence change replaces leucine with proline at codon 208 of the BICD2 protein (p.Leu208Pro). The leucine residue is highly conserved and there is a moderate physicochemical difference between leucine and proline. This variant is not present in population databases (ExAC no frequency). This variant has not been reported in the literature in individuals with BICD2-related conditions. Algorithms developed to predict the effect of missense changes on protein structure and function are either unavailable or do not agree on the potential impact of this missense change (SIFT: "Deleterious"; PolyPhen-2: "Probably Damaging"; Align-GVGD: "Class C0"). In summary, the available evidence is currently insufficient to determine the role of this variant in disease. Therefore, it has been classified as a Variant of Uncertain Significance.

NM_001003800.2(BICD2):c.623T>C (p.Leu208Pro)

Gene: BICD2 (BICD cargo adaptor 2; minus strand). Cytogenetic location: 9q22.31.
Variant type: single nucleotide variant.
Coding change: c.623T>C on transcript NM_001003800.2 (MANE Select); coding-DNA position 623, T replaced by C.
Protein change: p.Leu208Pro; replaces leucine 208 with proline.
Molecular consequence: missense variant.
Genome position (GRCh38, 1-based): chr9:92,720,739, A>G on the plus strand (T>C on the coding strand, the complement: BICD2 is on the minus strand). VCF-style: chr9-92720739-A-G. GRCh37 (hg19) VCF-style: chr9-95483021-A-G.
Other names: c.623T>C, p.Leu208Pro (NM_015250.4); short protein forms L208P.
Identifiers: ClinVar variation 1006742 (VCV001006742.9), dbSNP rs1853448827, ClinGen allele CA374044568.
Genomic context (GRCh38, chr9:92,720,739, plus strand): 5'-TCCTCCAGCTGGCTGTTGAGGTACTCGGTCTCCTCCTCCAGACGCTTGATCTCATGCTTG[A>G]GGCCCTCAAACTCCACCTGGGAAGAGAAGTCAACGCTCTTGCATCAATGCAATGTGGAAG-3'
Protein context (NP_001003800.1, residues 198-218): LRQNQVEFEG[Leu208Pro]KHEIKRLEEE